The following is an entry in ClinVar:

NM_130468.4(CHST14):c.1010A>G (p.His337Arg)

Gene: CHST14 (carbohydrate sulfotransferase 14; plus strand). Cytogenetic location: 15q15.1.
Variant type: single nucleotide variant.
Coding change: c.1010A>G on transcript NM_130468.4 (MANE Select); coding-DNA position 1010, A replaced by G.
Protein change: p.His337Arg; replaces histidine 337 with arginine.
Molecular consequence: missense variant.
Genome position (GRCh38, 1-based): chr15:40,472,223, A>G. VCF-style: chr15-40472223-A-G. GRCh37 (hg19) VCF-style: chr15-40764422-A-G.
Other names: short protein forms H337R.
Identifiers: ClinVar variation 969888 (VCV000969888.5), dbSNP rs772159874, ClinGen allele CA7481685.

ClinVar aggregate classification (germline): Uncertain significance. Review status: criteria provided, multiple submitters, no conflicts (2 of 4 stars). 2 submissions from 2 submitters: Uncertain significance (2). Last evaluated 2023-10-23.

Conditions:
Cardiovascular phenotype. Identifiers: MedGen CN230736.
Ehlers-Danlos syndrome, musculocontractural type (EDSMC). Also called: ARTHROGRYPOSIS, DISTAL, WITH PECULIAR FACIES AND HYDRONEPHROSIS; ADDUCTED THUMB-CLUBFOOT SYNDROME; Adducted thumb, clubfoot, progressive joint and skin laxity syndrome; DUNDAR SYNDROME. Identifiers: Orphanet 2953, MedGen C1866294, MONDO:0011142.

Allele frequency attached by ClinVar (database versions not stated): gnomAD 0.00001; gnomAD exomes 0.00001 and 0.00003; TOPMed 0.00001; ExAC 0.00002.
gnomAD v4.1: 37 of 1,614,020 alleles (0.0023%); highest among the groups gnomAD compares: Non-Finnish European, 0.0031%; no homozygotes.

Submissions (2):

Ambry Genetics
Classification: Uncertain significance for Cardiovascular phenotype. Last evaluated: 2023-10-23. Review status: criteria provided, single submitter. Criteria: Ambry Variant Classification Scheme 2023. Collection method: clinical testing. Allele origin: germline.
Comment: The p.H337R variant (also known as c.1010A>G), located in coding exon 1 of the CHST14 gene, results from an A to G substitution at nucleotide position 1010. The histidine at codon 337 is replaced by arginine, an amino acid with highly similar properties. This amino acid position is conserved. In addition, this alteration is predicted to be tolerated by in silico analysis. Since supporting evidence is limited at this time, the clinical significance of this alteration remains unclear.

Labcorp Genetics (formerly Invitae), Labcorp
Classification: Uncertain significance for Ehlers-Danlos syndrome, musculocontractural type. Last evaluated: 2021-10-08. Review status: criteria provided, single submitter. Criteria: Invitae Variant Classification Sherloc (09022015). Collection method: clinical testing. Allele origin: germline.
Comment: This sequence change replaces histidine with arginine at codon 337 of the CHST14 protein (p.His337Arg). The histidine residue is moderately conserved and there is a small physicochemical difference between histidine and arginine. This variant is present in population databases (rs772159874, ExAC 0.005%). This variant has not been reported in the literature in individuals affected with CHST14-related conditions. Algorithms developed to predict the effect of missense changes on protein structure and function (SIFT, PolyPhen-2, Align-GVGD) all suggest that this variant is likely to be tolerated. In summary, the available evidence is currently insufficient to determine the role of this variant in disease. Therefore, it has been classified as a Variant of Uncertain Significance.